The following is an entry in ClinVar:

NM_005359.6(SMAD4):c.680G>A (p.Ser227Asn)

Gene: SMAD4 (SMAD family member 4; plus strand). Cytogenetic location: 18q21.2.
Variant type: single nucleotide variant.
Coding change: c.680G>A on transcript NM_005359.6 (MANE Select); coding-DNA position 680, G replaced by A.
Protein change: p.Ser227Asn; replaces serine 227 with asparagine.
Molecular consequence: missense variant.
Genome position (GRCh38, 1-based): chr18:51,058,137, G>A. VCF-style: chr18-51058137-G-A. GRCh37 (hg19) VCF-style: chr18-48584507-G-A.
Other names: c.680G>A (NM_005359.5); short protein forms S227N.
Identifiers: ClinVar variation 1016159 (VCV001016159.9), dbSNP rs1909890755, ClinGen allele CA402462625.

ClinVar aggregate classification (germline): Uncertain significance. Review status: criteria provided, multiple submitters, no conflicts (2 of 4 stars). 2 submissions from 2 submitters: Uncertain significance (2). Last evaluated 2023-12-30.

Conditions:
Hereditary cancer-predisposing syndrome. Also called: Tumor predisposition; Hereditary Cancer Syndrome; Neoplastic Syndromes, Hereditary; Hereditary neoplastic syndrome. Identifiers: Orphanet 140162, MedGen C0027672, MeSH D009386, MONDO:0015356.
Familial thoracic aortic aneurysm and aortic dissection (TAAD). Also called: Thoracic aortic aneurysms and dissections. Identifiers: Orphanet 91387, MedGen C4707243, MONDO:0019625.
Juvenile polyposis syndrome (JPS). Identifiers: Orphanet 2929, MedGen C0345893, MONDO:0017380, OMIM 174900.

Allele frequency attached by ClinVar (database versions not stated): gnomAD exomes below 0.00001.
gnomAD v4.1: 1 of 1,614,166 alleles (0.000062%); highest among the groups gnomAD compares: African/African-American, 0.0013%; no homozygotes.

Submissions (2):

Ambry Genetics
Classification: Uncertain significance for Hereditary cancer-predisposing syndrome; Familial thoracic aortic aneurysm and aortic dissection. Last evaluated: 2023-12-30. Review status: criteria provided, single submitter. Criteria: Ambry Variant Classification Scheme 2023. Collection method: clinical testing. Allele origin: germline.
Comment: The p.S227N variant (also known as c.680G>A), located in coding exon 5 of the SMAD4 gene, results from a G to A substitution at nucleotide position 680. The serine at codon 227 is replaced by asparagine, an amino acid with highly similar properties. This amino acid position is conserved. In addition, this alteration is predicted to be tolerated by in silico analysis. Since supporting evidence is limited at this time, the clinical significance of this alteration remains unclear.

Labcorp Genetics (formerly Invitae), Labcorp
Classification: Uncertain significance for Juvenile polyposis syndrome. Last evaluated: 2021-08-17. Review status: criteria provided, single submitter. Criteria: Invitae Variant Classification Sherloc (09022015). Collection method: clinical testing. Allele origin: germline.
Comment: This sequence change replaces serine with asparagine at codon 227 of the SMAD4 protein (p.Ser227Asn). The serine residue is moderately conserved and there is a small physicochemical difference between serine and asparagine. This variant is not present in population databases (ExAC no frequency). This variant has not been reported in the literature in individuals with SMAD4-related conditions. Advanced modeling of protein sequence and biophysical properties (such as structural, functional, and spatial information, amino acid conservation, physicochemical variation, residue mobility, and thermodynamic stability) performed at Invitae indicates that this missense variant is not expected to disrupt SMAD4 protein function. In summary, the available evidence is currently insufficient to determine the role of this variant in disease. Therefore, it has been classified as a Variant of Uncertain Significance.